The following is an entry in ClinVar:

ClinVar aggregate classification (germline): Pathogenic (1 of 4 stars; one submission).

Conditions:
Ethylmalonic encephalopathy (EE). Also called: EPEMA syndrome; Encephalopathy, petechiae, and ethylmalonic aciduria; Syndrome of encephalopathy, petechiae, and ethylmalonic aciduria. Identifiers: Orphanet 51188, MedGen C1865349, MONDO:0011229, OMIM 602473. Disease mechanism: loss of function.

Submission:

Labcorp Genetics (formerly Invitae), Labcorp
Classification: Pathogenic for Ethylmalonic encephalopathy. Last evaluated: 2023-07-07. Review status: criteria provided, single submitter. Criteria: Invitae Variant Classification Sherloc (09022015). Collection method: clinical testing. Allele origin: germline.
Comment: For these reasons, this variant has been classified as Pathogenic. This sequence change creates a premature translational stop signal (p.Val5Glyfs*39) in the ETHE1 gene. It is expected to result in an absent or disrupted protein product. Loss-of-function variants in ETHE1 are known to be pathogenic (PMID: 14732903, 19136963). This variant is not present in population databases (gnomAD no frequency). This variant has not been reported in the literature in individuals affected with ETHE1-related conditions. ClinVar contains an entry for this variant (Variation ID: 936639).

Literature cited by the submitters: PubMed 14732903; PubMed 19136963.

NM_014297.5(ETHE1):c.10_13dup (p.Val5fs)

Genes: ETHE1 (ETHE1 persulfide dioxygenase; minus strand), LOC130064595 (ATAC-STARR-seq lymphoblastoid silent region 10721; plus strand). Cytogenetic location: 19q13.31.
Variant type: Duplication.
Coding change: c.10_13dup on transcript NM_014297.5 (MANE Select); coding-DNA positions 10 to 13, 4 bases duplicated (GCTG; older notation c.10_13dupGCTG).
Protein change: p.Val5fs; shifts the reading frame from valine 5.
Molecular consequence: frameshift variant. On other transcripts: 5 prime UTR variant (1).
Genome position (GRCh38, 1-based): chr19:43,527,165-43,527,168, CAGC duplicated on the plus strand (GCTG on the coding strand, the reverse complement: ETHE1 is on the minus strand); duplicating any 4 consecutive bases within chr19:43,527,165-43,527,169 gives the same sequence; the c. name uses the placement nearest the transcript's 3' end. VCF-style (leftmost placement, unchanged base first): chr19-43527164-A-ACAGC. GRCh37 (hg19) VCF-style: chr19-44031316-A-ACAGC.
Other names: c.10_13dup, p.Val5fs (NM_001320867.2, NM_001320869.2); c.-211_-208dup (NM_001320868.2); short protein forms V5fs.
Identifiers: ClinVar variation 936639 (VCV000936639.8), dbSNP rs1255836046, ClinGen allele CA882558834.